The following is an entry in ClinVar:

NM_004370.6(COL12A1):c.*1347C>T

Gene: COL12A1 (collagen type XII alpha 1 chain; minus strand). Cytogenetic location: 6q13.
Variant type: single nucleotide variant.
Coding change: c.*1347C>T on transcript NM_004370.6 (MANE Select); 1347 bases downstream of the stop codon, C replaced by T.
Molecular consequence: 3 prime UTR variant. On other transcripts: missense variant (2).
Genome position (GRCh38, 1-based): chr6:75,085,200, G>A on the plus strand (C>T on the coding strand, the complement: COL12A1 is on the minus strand). VCF-style: chr6-75085200-G-A. GRCh37 (hg19) VCF-style: chr6-75794916-G-A.
Other names: c.9347C>T, p.Pro3116Leu (NM_001424113.1); c.*1347C>T (NM_001424114.1, NM_001424115.1, NM_080645.3); c.5855C>T, p.Pro1952Leu (NM_001424116.1); short protein forms P1952L, P3116L.
Identifiers: ClinVar variation 4525707 (VCV004525707.1).

ClinVar aggregate classification (germline): Uncertain significance (1 of 4 stars; one submission).

gnomAD v4.1: 7 of 467,296 alleles (0.0015%); highest among the groups gnomAD compares: Middle Eastern, 0.079%; no homozygotes.

Submission:

Women's Health and Genetics/Laboratory Corporation of America, LabCorp
Classification: Uncertain significance. Last evaluated: 2025-07-22. Review status: criteria provided, single submitter. Criteria: LabCorp Variant Classification Summary - May 2015. Collection method: clinical testing. Allele origin: germline.
Comment: Variant summary: COL12A1 c.*1347C>T is located in the untranslated mRNA region downstream of the termination codon. The variant allele was found at a frequency of 1.4e-05 in 143278 control chromosomes. The available data on variant occurrences in the general population are insufficient to allow any conclusion about variant significance. To our knowledge, no occurrence of c.*1347C>T in individuals affected with Ullrich congenital muscular dystrophy 2 and no experimental evidence demonstrating its impact on protein function have been reported. No submitters have cited clinical-significance assessments for this variant to ClinVar. Based on the evidence outlined above, the variant was classified as uncertain significance.